The following is an entry in ClinVar:

NM_000540.3(RYR1):c.4139C>T (p.Thr1380Ile)

Gene: RYR1 (ryanodine receptor 1; plus strand). Cytogenetic location: 19q13.2.
Variant type: single nucleotide variant.
Coding change: c.4139C>T on transcript NM_000540.3 (MANE Select); coding-DNA position 4139, C replaced by T.
Protein change: p.Thr1380Ile; replaces threonine 1380 with isoleucine.
Molecular consequence: missense variant.
Genome position (GRCh38, 1-based): chr19:38,473,750, C>T. VCF-style: chr19-38473750-C-T. GRCh37 (hg19) VCF-style: chr19-38964390-C-T.
Other names: c.4139C>T, p.Thr1380Ile (NM_001042723.2); short protein forms T1380I.
Identifiers: ClinVar variation 3387704 (VCV003387704.1).

ClinVar aggregate classification (germline): Uncertain significance (1 of 4 stars; one submission).

Conditions:
Malignant hyperthermia, susceptibility to, 1 (MHS1). Also called: Anesthesia related hyperthermia; Malignant hyperpyrexia; Fulminating hyperpyrexia; Pharmacogenic myopathy; RYR1-Related Malignant Hyperthermia Susceptibility; Malignant hyperthermia suceptibility 1. Identifiers: Orphanet 423, MedGen C2930980, MONDO:0007783, OMIM 145600.

gnomAD v4.1: 1 of 1,538,128 alleles (0.000065%); highest among the groups gnomAD compares: South Asian, 0.0012%; no homozygotes.

Submission:

All of Us Research Program, National Institutes of Health
Classification: Uncertain significance for Malignant hyperthermia, susceptibility to, 1. Last evaluated: 2024-03-05. Review status: criteria provided, single submitter. Criteria: ACMG Guidelines, 2015. Collection method: clinical testing. Allele origin: germline. Inheritance: Autosomal dominant inheritance. Observed: 1 variant allele, 1 heterozygote.
Comment: This study involves interpretation of variants in research participants for the purpose of population health screening. Participant phenotype was not available at the time of variant classification. Additional details can be found in publication PMID: 35346344, PMCID: PMC8962531